The following is an entry in ClinVar:

NM_015419.4(MXRA5):c.7678A>G (p.Ile2560Val)

Gene: MXRA5 (matrix remodeling associated 5; minus strand). Cytogenetic location: Xp22.33.
Variant type: single nucleotide variant.
Coding change: c.7678A>G on transcript NM_015419.4 (MANE Select); coding-DNA position 7678, A replaced by G.
Protein change: p.Ile2560Val; replaces isoleucine 2560 with valine.
Molecular consequence: missense variant.
Genome position (GRCh38, 1-based): chrX:3,310,525, T>C on the plus strand (A>G on the coding strand, the complement: MXRA5 is on the minus strand). VCF-style: chrX-3310525-T-C. GRCh37 (hg19) VCF-style: chrX-3228566-T-C.
Other names: short protein forms I2560V.
Identifiers: ClinVar variation 5025010 (VCV005025010.1).

ClinVar aggregate classification (germline): Uncertain significance (1 of 4 stars; one submission).

Submission:

Ambry Genetics
Classification: Uncertain significance. Last evaluated: 2026-07-14. Review status: criteria provided, single submitter. Criteria: Ambry Variant Classification Scheme 2023. Collection method: clinical testing. Allele origin: germline.
Comment: The c.7678A>G (p.I2560V) alteration is located in exon 7 (coding exon 6) of the MXRA5 gene. This alteration results from a A to G substitution at nucleotide position 7678, causing the isoleucine (I) at amino acid position 2560 to be replaced by a valine (V). Based on data from gnomAD, the G allele has an overall frequency of 0.002% (3/159095) total alleles studied. The highest observed frequency was 0.004% (3/68936) of European (non-Finnish) alleles. Based on insufficient or conflicting evidence, the clinical significance of this alteration remains unclear.